The following is an entry in ClinVar:

NM_000303.3(PMM2):c.340A>T (p.Lys114Ter)

Gene: PMM2 (phosphomannomutase 2; plus strand). Cytogenetic location: 16p13.2.
Variant type: single nucleotide variant.
Coding change: c.340A>T on transcript NM_000303.3 (MANE Select); coding-DNA position 340, A replaced by T.
Protein change: p.Lys114Ter; replaces lysine 114 with a stop codon.
Molecular consequence: nonsense.
Genome position (GRCh38, 1-based): chr16:8,806,400, A>T. VCF-style: chr16-8806400-A-T. GRCh37 (hg19) VCF-style: chr16-8900257-A-T.
Other names: short protein forms K114*.
Identifiers: ClinVar variation 1724935 (VCV001724935.2), dbSNP rs781131678, ClinGen allele CA394696344.
Genomic context (GRCh38, chr16:8,806,400, plus strand): 5'-GCCCTAATCCAAGATTTAATCAACTACTGTCTGAGCTACATTGCGAAAATTAAACTCCCG[A>T]AGAAGAGGTGGGTTTGCTTTTAACAAAGAGGCGTCACAGGAACATAGCGTAGTGTCACAT-3'

ClinVar aggregate classification (germline): Likely pathogenic (1 of 4 stars; one submission).

Conditions:
PMM2-congenital disorder of glycosylation. Also called: CDG Ia; Congenital disorder of glycosylation, type Ia; JAEKEN SYNDROME; PHOSPHOMANNOMUTASE 2 DEFICIENCY; CARBOHYDRATE-DEFICIENT GLYCOPROTEIN SYNDROME, TYPE Ia; PMM2-CDG. Identifiers: Orphanet 79318, MedGen C0349653, MONDO:0008907, OMIM 212065.

Submission:

Myriad Genetics, Inc.
Classification: Likely pathogenic for PMM2-congenital disorder of glycosylation. Last evaluated: 2022-03-03. Review status: criteria provided, single submitter. Criteria: Myriad Women's Health Autosomal Recessive and X-Linked Classification Criteria (2021). Collection method: clinical testing. Allele origin: unknown.
Comment: NM_000303.2(PMM2):c.340A>T(K114*) is expected to be pathogenic in the context of congenital disorder of glycosylation type Ia. This variant is predicted to lead to an abnormal or absent protein product due to the creation of a premature termination codon in PMM2, a gene where loss-of-function variants are known to be pathogenic. Please note: this variant was assessed in the context of healthy population screening.